The following is an entry in ClinVar:

ClinVar aggregate classification (germline): Uncertain significance (1 of 4 stars; one submission).

Conditions:
Inborn genetic diseases. Identifiers: MedGen C0950123, MeSH D030342.

Submission:

Ambry Genetics
Classification: Uncertain significance for Inborn genetic diseases. Last evaluated: 2026-01-06. Review status: criteria provided, single submitter. Criteria: Ambry Variant Classification Scheme 2023. Collection method: clinical testing. Allele origin: germline.
Comment: The p.N463S variant (also known as c.1388A>G), located in coding exon 8 of the MECOM gene, results from an A to G substitution at nucleotide position 1388. The asparagine at codon 463 is replaced by serine, an amino acid with highly similar properties. This amino acid position is conserved. In addition, this alteration is predicted to be tolerated by in silico analysis. Based on the available evidence, the clinical significance of this variant remains unclear.

NM_004991.4(MECOM):c.1388A>G (p.Asn463Ser)

Gene: MECOM (MDS1 and EVI1 complex locus; minus strand). Cytogenetic location: 3q26.2.
Variant type: single nucleotide variant.
Coding change: c.1388A>G on transcript NM_004991.4 (MANE Select); coding-DNA position 1388, A replaced by G.
Protein change: p.Asn463Ser; replaces asparagine 463 with serine.
Molecular consequence: missense variant. On other transcripts: intron variant (2).
Genome position (GRCh38, 1-based): chr3:169,116,484, T>C on the plus strand (A>G on the coding strand, the complement: MECOM is on the minus strand). VCF-style: chr3-169116484-T-C. GRCh37 (hg19) VCF-style: chr3-168834272-T-C.
Other names: c.1388A>G, p.Asn463Ser (NM_001366466.2); c.827A>G, p.Asn276Ser (NM_001366467.2, NM_001366468.2, NM_001366470.2 and 1 more transcripts); c.824A>G, p.Asn275Ser (NM_001366469.2, NM_001366471.2, NM_001366472.2 and 4 more transcripts); c.1133-717A>G (NM_001366473.2); c.569-717A>G (NM_001366474.2); c.1019A>G, p.Asn340Ser (NM_001105077.4); short protein forms N276S, N275S, N463S, N340S.
Identifiers: ClinVar variation 4842769 (VCV004842769.1).